The following is an entry in ClinVar:

NM_020778.5(ALPK3):c.589G>A (p.Glu197Lys)

Gene: ALPK3 (alpha kinase 3; plus strand). Cytogenetic location: 15q25.3.
Variant type: single nucleotide variant.
Coding change: c.589G>A on transcript NM_020778.5 (MANE Select); coding-DNA position 589, G replaced by A.
Protein change: p.Glu197Lys; replaces glutamic acid 197 with lysine.
Molecular consequence: missense variant.
Genome position (GRCh38, 1-based): chr15:84,839,868, G>A. VCF-style: chr15-84839868-G-A. GRCh37 (hg19) VCF-style: chr15-85383099-G-A.
Other names: short protein forms E197K.
Identifiers: ClinVar variation 4805634 (VCV004805634.1).

ClinVar aggregate classification (germline): Uncertain significance (1 of 4 stars; one submission).

gnomAD v4.1: 1 of 1,614,094 alleles (0.000062%); highest among the groups gnomAD compares: Non-Finnish European, 0.000085%; no homozygotes.

Submission:

Labcorp Genetics (formerly Invitae), Labcorp
Classification: Uncertain significance. Last evaluated: 2025-03-18. Review status: criteria provided, single submitter. Criteria: Invitae Variant Classification Sherloc (09022015). Collection method: clinical testing. Allele origin: germline.
Comment: This sequence change replaces glutamic acid, which is acidic and polar, with lysine, which is basic and polar, at codon 399 of the ALPK3 protein (p.Glu399Lys). This variant is not present in population databases (gnomAD no frequency). This variant has not been reported in the literature in individuals affected with ALPK3-related conditions. Invitae Evidence Modeling of protein sequence and biophysical properties (such as structural, functional, and spatial information, amino acid conservation, physicochemical variation, residue mobility, and thermodynamic stability) indicates that this missense variant is expected to disrupt ALPK3 protein function with a positive predictive value of 80%. In summary, the available evidence is currently insufficient to determine the role of this variant in disease. Therefore, it has been classified as a Variant of Uncertain Significance.